The following is an entry in ClinVar:

NM_002296.4(LBR):c.1681C>G (p.Pro561Ala)

Gene: LBR (lamin B receptor; minus strand). Cytogenetic location: 1q42.12.
Variant type: single nucleotide variant.
Coding change: c.1681C>G on transcript NM_002296.4 (MANE Select); coding-DNA position 1681, C replaced by G.
Protein change: p.Pro561Ala; replaces proline 561 with alanine.
Molecular consequence: missense variant.
Genome position (GRCh38, 1-based): chr1:225,404,410, G>C on the plus strand (C>G on the coding strand, the complement: LBR is on the minus strand). VCF-style: chr1-225404410-G-C. GRCh37 (hg19) VCF-style: chr1-225592112-G-C.
Other names: c.1681C>G, p.Pro561Ala (NM_194442.3); short protein forms P561A.
Identifiers: ClinVar variation 1370940 (VCV001370940.6), dbSNP rs192296368, ClinGen allele CA1417069.

ClinVar aggregate classification (germline): Uncertain significance (1 of 4 stars; one submission).

Allele frequency attached by ClinVar (database versions not stated): gnomAD exomes below 0.00001; ExAC 0.00001; gnomAD 0.00001 and 0.00002; TOPMed 0.00002; 1000 Genomes Project 30x 0.00016; 1000 Genomes Project 0.00020.
gnomAD v4.1: 4 of 1,614,048 alleles (0.00025%); highest among the groups gnomAD compares: African/African-American, 0.004%; no homozygotes.

Submission:

Labcorp Genetics (formerly Invitae), Labcorp
Classification: Uncertain significance. Last evaluated: 2021-10-28. Review status: criteria provided, single submitter. Criteria: Invitae Variant Classification Sherloc (09022015). Collection method: clinical testing. Allele origin: germline.
Comment: This sequence change replaces proline, which is neutral and non-polar, with alanine, which is neutral and non-polar, at codon 561 of the LBR protein (p.Pro561Ala). This variant is present in population databases (rs192296368, gnomAD 0.007%). In summary, the available evidence is currently insufficient to determine the role of this variant in disease. Therefore, it has been classified as a Variant of Uncertain Significance. Advanced modeling of protein sequence and biophysical properties (such as structural, functional, and spatial information, amino acid conservation, physicochemical variation, residue mobility, and thermodynamic stability) performed at Invitae indicates that this missense variant is expected to disrupt LBR protein function. This variant has not been reported in the literature in individuals affected with LBR-related conditions.